The following is an entry in ClinVar:

NM_138420.4(AHNAK2):c.5777C>T (p.Thr1926Ile)

Gene: AHNAK2 (AHNAK nucleoprotein 2; minus strand). Cytogenetic location: 14q32.33.
Variant type: single nucleotide variant.
Coding change: c.5777C>T on transcript NM_138420.4 (MANE Select); coding-DNA position 5777, C replaced by T.
Protein change: p.Thr1926Ile; replaces threonine 1926 with isoleucine.
Molecular consequence: missense variant.
Genome position (GRCh38, 1-based): chr14:104,949,674, G>A on the plus strand (C>T on the coding strand, the complement: AHNAK2 is on the minus strand). VCF-style: chr14-104949674-G-A. GRCh37 (hg19) VCF-style: chr14-105416011-G-A.
Other names: c.5477C>T, p.Thr1826Ile (NM_001350929.2); short protein forms T1826I, T1926I.
Identifiers: ClinVar variation 3388727 (VCV003388727.14).
Genomic context (GRCh38, chr14:104,949,674, plus strand): 5'-TCGGGGGCTGTCACTTCCGCCTTGGGGCCTTTCAGGTCCAGCTTGGCGCCCTTAACATCT[G>A]TCTGGGGGCCCTTGAGGTCCACTTTGGGCATCTTGAAACTGGGCATATCCACCTTGGGCA-3'
Protein context (NP_612429.2, residues 1916-1936): MPKVDLKGPQ[Thr1926Ile]DVKGAKLDLK

ClinVar aggregate classification (germline): Benign (1 of 4 stars; one submission).

Submission:

CeGaT Center for Human Genetics Tuebingen
Classification: Benign. Last evaluated: 2024-10-01. Review status: criteria provided, single submitter. Criteria: CeGaT Center For Human Genetics Tuebingen Variant Classification Criteria Version 2. Collection method: clinical testing. Allele origin: germline. Affected: yes. Observed: 1 variant allele.
Comment: AHNAK2: BS1, BS2